The following is an entry in ClinVar:

ClinVar aggregate classification (germline): Conflicting classifications of pathogenicity. Review status: criteria provided, conflicting classifications (1 of 4 stars). 5 submissions from 5 submitters: Pathogenic (1); Likely pathogenic (3); Uncertain significance (1). Last evaluated 2026-03-02.

Conditions:
Cardiovascular phenotype. Identifiers: MedGen CN230736.
Hereditary cancer-predisposing syndrome. Also called: Tumor predisposition; Hereditary neoplastic syndrome; Neoplastic Syndromes, Hereditary; Hereditary Cancer Syndrome. Identifiers: Orphanet 140162, MedGen C0027672, MeSH D009386, MONDO:0015356.
Neurofibromatosis, type 1 (NF1). Also called: NEUROFIBROMATOSIS, TYPE I, SOMATIC; Peripheral type neurofibromatosis; Neurofibromatosis, type I; VON RECKLINGHAUSEN DISEASE. Identifiers: Orphanet 636, MedGen C0027831, MONDO:0018975, OMIM 162200. Disease mechanism: loss of function.

Submissions (5):

Broad Center for Mendelian Genomics, Broad Institute of MIT and Harvard
Classification: Likely pathogenic for Neurofibromatosis, type 1. Last evaluated: 2026-03-02. Review status: criteria provided, single submitter. Criteria: ACMG Guidelines, 2015. Collection method: research. Allele origin: germline. Inheritance: Autosomal dominant inheritance.
Comment: The p.Cys1682Arg variant in NF1 has been reported in 3 other individuals with neurofibromatosis type 1 (PMID: 31776437, 23758643, 25074460), and was absent from large population studies. This variant has also been reported in ClinVar (Variation ID: 638839) and has been interpreted as pathogenic by Invitae, likely pathogenic by the Hospital for Sick Children, and uncertain significance by GeneDx. This variant is assumed de novo in 1 individual, but maternity and paternity have not been confirmed (PMID: 23758643). Computational prediction tools and conservation analyses suggest that this variant may impact the protein, though this information is not predictive enough to determine pathogenicity. The number of missense variants reported in NF1 in the general population is lower than expected, suggesting there is little benign variation in this gene and slightly increasing the possibility that a missense variant in this gene may not be tolerated. In summary, although additional studies are required to fully establish its clinical significance, this variant is likely pathogenic for autosomal dominant neurofibromatosis type 1. ACMG/AMP Criteria applied: PM6, PP2, PP3, PM2_supporting, PS4_supporting (Richards 2015).

Labcorp Genetics (formerly Invitae), Labcorp
Classification: Pathogenic for Neurofibromatosis, type 1. Last evaluated: 2025-06-25. Review status: criteria provided, single submitter. Criteria: Invitae Variant Classification Sherloc (09022015). Collection method: clinical testing. Allele origin: germline.
Comment: This sequence change replaces cysteine, which is neutral and slightly polar, with arginine, which is basic and polar, at codon 1661 of the NF1 protein (p.Cys1661Arg). This variant is not present in population databases (gnomAD no frequency). This missense change has been observed in individual(s) with neurofibromatosis type 1 (PMID: 23758643, 25074460, 31776437). In at least one individual the variant was observed to be de novo. ClinVar contains an entry for this variant (Variation ID: 638839). Invitae Evidence Modeling of protein sequence and biophysical properties (such as structural, functional, and spatial information, amino acid conservation, physicochemical variation, residue mobility, and thermodynamic stability) indicates that this missense variant is expected to disrupt NF1 protein function with a positive predictive value of 95%. For these reasons, this variant has been classified as Pathogenic.

Ambry Genetics
Classification: Likely pathogenic for Cardiovascular phenotype; Hereditary cancer-predisposing syndrome. Last evaluated: 2025-04-30. Review status: criteria provided, single submitter. Criteria: Ambry Variant Classification Scheme 2023. Collection method: clinical testing. Allele origin: germline.
Comment: The p.C1661R variant (also known as c.4981T>C), located in coding exon 36 of the NF1 gene, results from a T to C substitution at nucleotide position 4981. The cysteine at codon 1661 is replaced by arginine, an amino acid with highly dissimilar properties. This variant was reported in individual(s) with features consistent with neurofibromatosis type 1 (NF1) (Ambry internal data; Nemethova M et al. Ann Hum Genet, 2013 Sep;77:364-79; Kang E et al. J Hum Genet, 2020 Jan;65:79-89; Paterra R et al. Cancers (Basel), 2022 Dec;15:). This amino acid position is highly conserved in available vertebrate species. In addition, this alteration is predicted to be deleterious by in silico analysis. This missense alteration is located in a region that has a low rate of benign missense variation (Lek M et al. Nature. 2016 Aug 18;536(7616):285-91; DECIPHER: Database of Chromosomal Imbalance and Phenotype in Humans using Ensembl Resources. Firth H.V. et al. 2009. Am.J.Hum.Genet. 84, 524-533 (DOI)). This variant is considered to be rare based on population cohorts in the Genome Aggregation Database (gnomAD). Based on the majority of available evidence to date, this variant is likely to be pathogenic.

GeneDx
Classification: Uncertain significance. Last evaluated: 2021-01-14. Review status: criteria provided, single submitter. Criteria: GeneDx Variant Classification Process June 2021. Collection method: clinical testing. Allele origin: germline. Affected: yes.
Comment: Variant identified in individuals with clinically diagnosed neurofibromatosis type 1, one of which was apparently de novo, in the published literature (Nemethova et al., 2013; Pasmant et al., 2015); Not observed in large population cohorts (Lek et al., 2016); In silico analysis supports that this missense variant has a deleterious effect on protein structure/function; This variant is associated with the following publications: (PMID: 23758643, 25074460, 31776437)

Genome Diagnostics Laboratory, The Hospital for Sick Children
Classification: Likely pathogenic for Neurofibromatosis, type 1. Last evaluated: 2020-10-26. Review status: criteria provided, single submitter. Criteria: ACMG Guidelines, 2015. Collection method: clinical testing. Allele origin: germline. Affected: yes.

Literature cited by the submitters: PubMed 23758643 (cited by Labcorp Genetics (formerly Invitae), Labcorp and Ambry Genetics); PubMed 25074460 (cited by Labcorp Genetics (formerly Invitae), Labcorp); PubMed 31776437 (cited by Labcorp Genetics (formerly Invitae), Labcorp and Ambry Genetics); PubMed 36612057 (cited by Ambry Genetics).

NM_001042492.3(NF1):c.5044T>C (p.Cys1682Arg)

Gene: NF1 (neurofibromin 1; plus strand). Cytogenetic location: 17q11.2.
Variant type: single nucleotide variant.
Coding change: c.5044T>C on transcript NM_001042492.3 (MANE Select); coding-DNA position 5044, T replaced by C.
Protein change: p.Cys1682Arg; replaces cysteine 1682 with arginine.
Molecular consequence: missense variant.
Genome position (GRCh38, 1-based): chr17:31,326,028, T>C. VCF-style: chr17-31326028-T-C. GRCh37 (hg19) VCF-style: chr17-29653046-T-C.
Other names: NM_001042492.3:c.5044T>C; c.4981T>C, p.Cys1661Arg (NM_000267.4); short protein forms C1682R, C1661R.
Identifiers: ClinVar variation 638839 (VCV000638839.15), dbSNP rs1597829901, ClinGen allele CA399007385.
Genomic context (GRCh38, chr17:31,326,028, plus strand): 5'-TGGTTTGTTGTTTTTCCTGGCTTTGCTTACGACAACGTCTCCGCAGTCTATATCTATAAC[T>C]GTAACTCCTGGGTCAGGGAGTACACCAAGTATCATGAGCGGCTGCTGACTGGCCTCAAAG-3'
Protein context (NP_001035957.1, residues 1672-1692): DNVSAVYIYN[Cys1682Arg]NSWVREYTKY